The following is an entry in ClinVar:

NM_001291415.2(KDM6A):c.160A>G (p.Ser54Gly)

Genes: KDM6A (lysine demethylase 6A; plus strand), LOC130068183 (ATAC-STARR-seq lymphoblastoid silent region 20785; plus strand). Cytogenetic location: Xp11.3.
Variant type: single nucleotide variant.
Coding change: c.160A>G on transcript NM_001291415.2 (MANE Select); coding-DNA position 160, A replaced by G.
Protein change: p.Ser54Gly; replaces serine 54 with glycine.
Molecular consequence: missense variant. On other transcripts: 5 prime UTR variant (1), non-coding transcript variant (1).
Genome position (GRCh38, 1-based): chrX:44,873,711, A>G. VCF-style: chrX-44873711-A-G. GRCh37 (hg19) VCF-style: chrX-44732957-A-G.
Other names: c.160A>G, p.Ser54Gly (NM_001291416.2, NM_001291417.2, NM_001291418.2 and 9 more transcripts); c.-473A>G (NM_001291421.2); short protein forms S54G.
Identifiers: ClinVar variation 2582031 (VCV002582031.1), dbSNP rs2519218765, ClinGen allele CA413020412.

ClinVar aggregate classification (germline): Uncertain significance (1 of 4 stars; one submission).

Submission:

GeneDx
Classification: Uncertain significance. Last evaluated: 2023-03-27. Review status: criteria provided, single submitter. Criteria: GeneDx Variant Classification Process June 2021. Collection method: clinical testing. Allele origin: germline. Affected: yes.
Comment: Not observed at significant frequency in large population cohorts (gnomAD); In silico analysis supports that this missense variant has a deleterious effect on protein structure/function; Has not been previously published as pathogenic or benign to our knowledge